The following is an entry in ClinVar:

NM_005186.4(CAPN1):c.1605+4C>T

Gene: CAPN1 (calpain 1; plus strand). Cytogenetic location: 11q13.1.
Variant type: single nucleotide variant.
Coding change: c.1605+4C>T on transcript NM_005186.4 (MANE Select); 4 bases into the intron after coding-DNA position 1605, C replaced by T.
Molecular consequence: intron variant.
Genome position (GRCh38, 1-based): chr11:65,206,823, C>T. VCF-style: chr11-65206823-C-T. GRCh37 (hg19) VCF-style: chr11-64974294-C-T.
Other names: c.1605+4C>T (NM_001198868.2, NM_001198869.2).
Identifiers: ClinVar variation 1512545 (VCV001512545.6), dbSNP rs775544102, ClinGen allele CA6093475.

ClinVar aggregate classification (germline): Uncertain significance (1 of 4 stars; one submission).

Allele frequency attached by ClinVar (database versions not stated): gnomAD exomes below 0.00001 and 0.00001; TOPMed below 0.00001; gnomAD 0.00001; ExAC 0.00002.
gnomAD v4.1: 9 of 1,610,730 alleles (0.00056%); highest among the groups gnomAD compares: African/African-American, 0.004%; no homozygotes.

Submission:

Labcorp Genetics (formerly Invitae), Labcorp
Classification: Uncertain significance. Last evaluated: 2022-03-05. Review status: criteria provided, single submitter. Criteria: Invitae Variant Classification Sherloc (09022015). Collection method: clinical testing. Allele origin: germline.
Comment: In summary, the available evidence is currently insufficient to determine the role of this variant in disease. Therefore, it has been classified as a Variant of Uncertain Significance. Variants that disrupt the consensus splice site are a relatively common cause of aberrant splicing (PMID: 17576681, 9536098). Algorithms developed to predict the effect of sequence changes on RNA splicing suggest that this variant is not likely to affect RNA splicing. This variant has not been reported in the literature in individuals affected with CAPN1-related conditions. The frequency data for this variant in the population databases is considered unreliable, as metrics indicate poor data quality at this position in the gnomAD database. This sequence change falls in intron 14 of the CAPN1 gene. It does not directly change the encoded amino acid sequence of the CAPN1 protein. It affects a nucleotide within the consensus splice site.

Literature cited by the submitters: PubMed 17576681; PubMed 9536098.